The following is an entry in ClinVar:

ClinVar aggregate classification (germline): Uncertain significance. Review status: criteria provided, multiple submitters, no conflicts (2 of 4 stars). 2 submissions from 2 submitters: Uncertain significance (2). Last evaluated 2023-08-17.

Conditions:
MYH7B-related disorder. Also called: MYH7B-related condition.

Allele frequency attached by ClinVar (database versions not stated): gnomAD 0.00001; gnomAD exomes 0.00003; TOPMed 0.00003; ExAC 0.00006; ESP Exome Variant Server 0.00015.
gnomAD v4.1: 42 of 1,613,580 alleles (0.0026%); highest among the groups gnomAD compares: Admixed American, 0.017%; no homozygotes.

Submissions (2):

Labcorp Genetics (formerly Invitae), Labcorp
Classification: Uncertain significance. Last evaluated: 2023-08-17. Review status: criteria provided, single submitter. Criteria: Invitae Variant Classification Sherloc (09022015). Collection method: clinical testing. Allele origin: germline.
Comment: Advanced modeling of protein sequence and biophysical properties (such as structural, functional, and spatial information, amino acid conservation, physicochemical variation, residue mobility, and thermodynamic stability) performed at Invitae indicates that this missense variant is expected to disrupt MYH7B protein function. In summary, the available evidence is currently insufficient to determine the role of this variant in disease. Therefore, it has been classified as a Variant of Uncertain Significance. This variant has not been reported in the literature in individuals affected with MYH7B-related conditions. This variant is present in population databases (rs376694362, gnomAD 0.01%). This sequence change replaces arginine, which is basic and polar, with tryptophan, which is neutral and slightly polar, at codon 1469 of the MYH7B protein (p.Arg1469Trp).

PreventionGenetics, part of Exact Sciences
Classification: Uncertain significance for MYH7B-related condition. Last evaluated: 2023-07-07. Review status: criteria provided, single submitter. Criteria: ACMG Guidelines, 2015. Collection method: clinical testing. Allele origin: germline.
Comment: The MYH7B c.4405C>T variant is predicted to result in the amino acid substitution p.Arg1469Trp. To our knowledge, this variant has not been reported in the literature. This variant is reported in 0.014% of alleles in individuals of Latino descent in gnomAD. At this time, the clinical significance of this variant is uncertain due to the absence of conclusive functional and genetic evidence.

NM_020884.7(MYH7B):c.4279C>T (p.Arg1427Trp)

Gene: MYH7B (myosin heavy chain 7B; plus strand). Cytogenetic location: 20q11.22.
Variant type: single nucleotide variant.
Coding change: c.4279C>T on transcript NM_020884.7 (MANE Select); coding-DNA position 4279, C replaced by T.
Protein change: p.Arg1427Trp; replaces arginine 1427 with tryptophan.
Molecular consequence: missense variant.
Genome position (GRCh38, 1-based): chr20:34,999,144, C>T. VCF-style: chr20-34999144-C-T. GRCh37 (hg19) VCF-style: chr20-33586947-C-T.
Other names: short protein forms R1427W.
Identifiers: ClinVar variation 2634599 (VCV002634599.2), dbSNP rs376694362, ClinGen allele CA9828059.